The following is an entry in ClinVar:

ClinVar aggregate classification (germline): Conflicting classifications of pathogenicity. Review status: criteria provided, conflicting classifications (1 of 4 stars). 10 submissions from 10 submitters: Uncertain significance (9); Likely benign (1). Last evaluated 2026-10-16.

Conditions:
Cardiomyopathy (CMYO). Also called: Cardiomyopathies. Identifiers: Orphanet 167848, MedGen C0878544, MONDO:0004994, HP:0001638. Inheritance: Various modes of inheritance.
Cardiovascular phenotype. Identifiers: MedGen CN230736.
Arrhythmogenic cardiomyopathy with wooly hair and keratoderma. Also called: PALMOPLANTAR KERATODERMA WITH LEFT VENTRICULAR CARDIOMYOPATHY AND WOOLLY HAIR; Carvajal syndrome; Dilated cardiomyopathy with woolly hair and keratoderma; Arrhythmogenic cardiomyopathy with woolly hair and keratoderma. Identifiers: Orphanet 65282, MedGen C1854063, MONDO:0011581, OMIM 605676.
Arrhythmogenic right ventricular dysplasia 8 (ARVD8). Also called: Arrhythmogenic Right Ventricular Dysplasia/Cardiomyopathy 8; ARRHYTHMOGENIC RIGHT VENTRICULAR DYSPLASIA, FAMILIAL, 8; ARRHYTHMOGENIC RIGHT VENTRICULAR CARDIOMYOPATHY 8. Identifiers: MedGen C1843896, MONDO:0011831, OMIM 607450.
DSP-related disorder. Also called: DSP-related condition; DSP-related disorders.
Woolly hair-skin fragility syndrome (WHSF). Identifiers: Orphanet 293165, MedGen C1843292, MONDO:0957307, OMIM 620415.
Lethal acantholytic epidermolysis bullosa (EBLA). Identifiers: Orphanet 158687, MedGen C1864826, MONDO:0012323, OMIM 609638.
Keratosis palmoplantaris striata 2. Also called: Keratosis palmoplantaris striata II; KERATODERMA, PALMOPLANTAR, STRIATE FORM II; STRIATE PALMOPLANTAR KERATODERMA II. Identifiers: MedGen C1852127, MONDO:0013034, OMIM 612908.
Cardiomyopathy, dilated, with wooly hair, keratoderma, and tooth agenesis. Also called: Erythrokeratodermia-cardiomyopathy syndrome; Cardiomyopathy, dilated, with woolly hair, keratoderma, and tooth agenesis. Identifiers: Orphanet 476096, Orphanet 65282, MedGen C4014393, MONDO:0014355, OMIM 615821.

Allele frequency attached by ClinVar (database versions not stated): gnomAD exomes 0.00001; gnomAD 0.00005; TOPMed 0.00004; ExAC 0.00001; ESP Exome Variant Server 0.00008.
gnomAD v4.1: 48 of 1,614,002 alleles (0.003%); highest among the groups gnomAD compares: East Asian, 0.0045%; no homozygotes.

Submissions (10):

GeneDx
Classification: Uncertain significance. Last evaluated: 2026-10-16. Review status: criteria provided, single submitter. Criteria: GeneDx Variant Classification Process June 2021. Collection method: clinical testing. Allele origin: germline.
Comment: Not observed at significant frequency in large population cohorts (gnomAD); In silico analysis supports that this missense variant has a deleterious effect on protein structure/function; Has not been previously published as pathogenic or benign to our knowledge

PreventionGenetics, part of Exact Sciences
Classification: Uncertain significance for DSP-related condition. Last evaluated: 2026-05-05. Review status: criteria provided, single submitter. Criteria: ACMG Guidelines, 2015. Collection method: clinical testing. Allele origin: germline.
Comment: The DSP c.6452G>A variant is predicted to result in the amino acid substitution p.Arg2151Gln. To our knowledge, this variant has not been reported in the literature. This variant is reported in 0.0054% of alleles in individuals of East Asian descent in gnomAD. An alternate nucleotide change affecting the same amino acid c.6452G>T (p.Arg2151Leu) has been reported in an individual with hypertrophic cardiomyopathy (Wu et al. 2022. PubMed ID: 34500006). At this time, the clinical significance of this variant c.6452G>A (p.Arg2151Gln) is uncertain due to the absence of conclusive functional and genetic evidence.

Labcorp Genetics (formerly Invitae), Labcorp
Classification: Likely benign for Arrhythmogenic cardiomyopathy with wooly hair and keratoderma; Arrhythmogenic right ventricular dysplasia 8. Last evaluated: 2026-01-19. Review status: criteria provided, single submitter. Criteria: Invitae Variant Classification Sherloc (09022015). Collection method: clinical testing. Allele origin: germline.

Women's Health and Genetics/Laboratory Corporation of America, LabCorp
Classification: Uncertain significance. Last evaluated: 2025-11-24. Review status: criteria provided, single submitter. Criteria: LabCorp Variant Classification Summary - May 2015. Collection method: clinical testing. Allele origin: germline.
Comment: Variant summary: DSP c.6452G>A (p.Arg2151Gln) results in a conservative amino acid change in the encoded protein sequence. Algorithms developed to predict the effect of missense changes on protein structure and function are either unavailable or do not agree on the potential impact of this missense change. The variant allele was found at a frequency of 1.2e-05 in 251180 control chromosomes. The available data on variant occurrences in the general population are insufficient to allow any conclusion about variant significance. To our knowledge, no occurrence of c.6452G>A in individuals affected with DSP-related conditions and no experimental evidence demonstrating its impact on protein function have been reported. ClinVar contains an entry for this variant (Variation ID: 377813). Based on the evidence outlined above, the variant was classified as uncertain significance.

Color Diagnostics, LLC DBA Color Health
Classification: Uncertain significance for Cardiomyopathy. Last evaluated: 2025-06-24. Review status: criteria provided, single submitter. Criteria: ACMG Guidelines, 2015. Collection method: clinical testing. Allele origin: germline.
Comment: This missense variant replaces arginine with glutamine at codon 2151 of the DSP protein. Computational prediction tool is inconclusive regarding the impact of this variant on protein structure and function. To our knowledge, functional studies have not been reported for this variant. This variant has not been reported in individuals affected with cardiovascular disorders in the literature. This variant has been identified in 3/251180 chromosomes in the general population by the Genome Aggregation Database (gnomAD). The available evidence is insufficient to determine the role of this variant in disease conclusively. Therefore, this variant is classified as a Variant of Uncertain Significance.

Ambry Genetics
Classification: Uncertain significance for Cardiovascular phenotype. Last evaluated: 2024-09-30. Review status: criteria provided, single submitter. Criteria: Ambry Variant Classification Scheme 2023. Collection method: clinical testing. Allele origin: germline.
Comment: The p.R2151Q variant (also known as c.6452G>A), located in coding exon 24 of the DSP gene, results from a G to A substitution at nucleotide position 6452. The arginine at codon 2151 is replaced by glutamine, an amino acid with highly similar properties. This amino acid position is highly conserved in available vertebrate species. In addition, this alteration is predicted to be deleterious by in silico analysis. Since supporting evidence is limited at this time, the clinical significance of this alteration remains unclear.

All of Us Research Program, National Institutes of Health
Classification: Uncertain significance for Arrhythmogenic cardiomyopathy with wooly hair and keratoderma. Last evaluated: 2024-03-05. Review status: criteria provided, single submitter. Criteria: ACMG Guidelines, 2015. Collection method: clinical testing. Allele origin: germline. Inheritance: Autosomal dominant inheritance. Observed: 8 variant alleles, 8 heterozygotes.
Comment: This missense variant replaces arginine with glutamine at codon 2151 of the DSP protein. Computational prediction is inconclusive regarding the impact of this variant on protein structure and function (internally defined REVEL score threshold 0.5 < inconclusive < 0.7, PMID: 27666373). To our knowledge, functional studies have not been reported for this variant. This variant has not been reported in individuals affected with cardiovascular disorders in the literature. This variant has been identified in 3/251180 chromosomes in the general population by the Genome Aggregation Database (gnomAD). The available evidence is insufficient to determine the role of this variant in disease conclusively. Therefore, this variant is classified as a Variant of Uncertain Significance.

This study involves interpretation of variants in research participants for the purpose of population health screening. Participant phenotype was not available at the time of variant classification. Additional details can be found in publication PMID: 35346344, PMCID: PMC8962531

Blueprint Genetics
Classification: Uncertain significance. Last evaluated: 2023-03-27. Review status: criteria provided, single submitter. Criteria: ACMG Guidelines, 2015. Collection method: clinical testing. Allele origin: germline.

Phosphorus, Inc.
Classification: Uncertain significance. Last evaluated: 2022-01-14. Review status: criteria provided, single submitter. Criteria: ACMG Guidelines, 2015. Collection method: clinical testing. Allele origin: germline. Inheritance: Autosomal dominant inheritance.
Comment: This missense variant results in an amino acid substitution of Arginine with Glutamine at codon 2151 of the DSP gene (transcript: NM_004415.2). This variant has an entry in ClinVar (377813) NM_004415.4(DSP):c.6452G>A (p.Arg2151Gln). This variant occurred in gnomAD with a total MAF of 0 0.0012% and once with the highest MAF of 0.0058% in the East Asian population. This position is conserved. In silico functional algorithms predict this variant to be probably damaging (PolyPhen) and deleterious (SIFT). However, no functional studies were performed to confirm either of those predictions. The variant has not occurred in the literature in association with the disease. Considering that this is a rare variant and the available evidence is not enough to ascertain its role in disease, it has been classified as Variant of Uncertain Significance.

Fulgent Genetics
Classification: Uncertain significance for Arrhythmogenic cardiomyopathy with wooly hair and keratoderma; Arrhythmogenic right ventricular dysplasia 8; Lethal acantholytic epidermolysis bullosa; Keratosis palmoplantaris striata 2; Cardiomyopathy, dilated, with wooly hair, keratoderma, and tooth agenesis. Last evaluated: 2021-07-22. Review status: criteria provided, single submitter. Criteria: ACMG Guidelines, 2015. Collection method: clinical testing. Allele origin: unknown.

NM_004415.4(DSP):c.6452G>A (p.Arg2151Gln)

Gene: DSP (desmoplakin; plus strand). Cytogenetic location: 6p24.3.
Variant type: single nucleotide variant.
Coding change: c.6452G>A on transcript NM_004415.4 (MANE Select); coding-DNA position 6452, G replaced by A.
Protein change: p.Arg2151Gln; replaces arginine 2151 with glutamine.
Molecular consequence: missense variant.
Genome position (GRCh38, 1-based): chr6:7,583,714, G>A. VCF-style: chr6-7583714-G-A. GRCh37 (hg19) VCF-style: chr6-7583947-G-A.
Other names: c.6452G>A (LRG_423t1); c.4655G>A, p.Arg1552Gln (NM_001008844.3); c.5123G>A, p.Arg1708Gln (NM_001319034.2); short protein forms R2151Q, R1708Q, R1552Q.
Identifiers: ClinVar variation 377813 (VCV000377813.25), dbSNP rs367759510, ClinGen allele CA047734.